The following is an entry in ClinVar:

ClinVar aggregate classification (germline): Conflicting classifications of pathogenicity. Review status: criteria provided, conflicting classifications (1 of 4 stars). 5 submissions from 5 submitters: Uncertain significance (2); Likely benign (1). 2 of the submissions do not count toward it. Last evaluated 2026-03-01.

Allele frequency attached by ClinVar (database versions not stated): TOPMed 0.00010; gnomAD 0.00011; ESP Exome Variant Server 0.00015; gnomAD exomes 0.00018; 1000 Genomes Project 0.00020; ExAC 0.00022; 1000 Genomes Project 30x 0.00031.
gnomAD v4.1: 271 of 1,606,954 alleles (0.017%); highest among the groups gnomAD compares: Middle Eastern, 0.083%; 3 homozygotes.

Submissions (5):

CeGaT Center for Human Genetics Tuebingen
Classification: Likely benign. Last evaluated: 2026-03-01. Review status: criteria provided, single submitter. Criteria: CeGaT Center For Human Genetics Tuebingen Variant Classification Criteria Version 2. Collection method: clinical testing. Allele origin: germline. Affected: yes. Observed: 3 variant alleles.
Comment: CLIC5: BS2

GeneDx
Classification: Uncertain significance. Last evaluated: 2026-02-10. Review status: criteria provided, single submitter. Criteria: GeneDx Variant Classification Process June 2021. Collection method: clinical testing. Allele origin: germline.
Comment: Has not been previously reported as pathogenic or benign in association with hearing loss to our knowledge; In silico analysis supports that this missense variant has a deleterious effect on protein structure/function; Variants in candidate genes are classified as variants of uncertain significance in accordance with ACMG guidelines (PMID: 25741868); This variant is associated with the following publications: (PMID: 37511188)

Labcorp Genetics (formerly Invitae), Labcorp
Classification: Uncertain significance. Last evaluated: 2026-01-12. Review status: criteria provided, single submitter. Criteria: Invitae Variant Classification Sherloc (09022015). Collection method: clinical testing. Allele origin: germline.
Comment: This sequence change replaces arginine, which is basic and polar, with tryptophan, which is neutral and slightly polar, at codon 331 of the CLIC5 protein (p.Arg331Trp). This variant is present in population databases (rs138254725, gnomAD 0.04%). This variant has not been reported in the literature in individuals affected with CLIC5-related conditions. ClinVar contains an entry for this variant (Variation ID: 1174689). An algorithm developed to predict the effect of missense changes on protein structure and function (PolyPhen-2) suggests that this variant is likely to be disruptive. In summary, the available evidence is currently insufficient to determine the role of this variant in disease. Therefore, it has been classified as a Variant of Uncertain Significance.

Clinical Genetics DNA and cytogenetics Diagnostics Lab, Erasmus MC, Erasmus Medical Center
Classification: Uncertain significance. Review status: no assertion criteria provided. Collection method: clinical testing. Allele origin: germline. Affected: yes. Study: VKGL Data-share Consensus. Not counted in ClinVar's aggregate classification.

Diagnostic Laboratory, Department of Genetics, University Medical Center Groningen
Classification: Uncertain significance. Review status: no assertion criteria provided. Collection method: clinical testing. Allele origin: germline. Affected: yes. Study: VKGL Data-share Consensus. Not counted in ClinVar's aggregate classification.

NM_016929.5(CLIC5):c.514C>T (p.Arg172Trp)

Gene: CLIC5 (CLIC family member 5; minus strand). Cytogenetic location: 6p21.1.
Variant type: single nucleotide variant.
Coding change: c.514C>T on transcript NM_016929.5 (MANE Select); coding-DNA position 514, C replaced by T.
Protein change: p.Arg172Trp; replaces arginine 172 with tryptophan.
Molecular consequence: missense variant. On other transcripts: non-coding transcript variant (3).
Genome position (GRCh38, 1-based): chr6:45,914,302, G>A on the plus strand (C>T on the coding strand, the complement: CLIC5 is on the minus strand). VCF-style: chr6-45914302-G-A. GRCh37 (hg19) VCF-style: chr6-45882039-G-A.
Other names: c.991C>T (NM_001114086.1); c.991C>T, p.Arg331Trp (NM_001114086.2, NM_001370650.1); c.514C>T, p.Arg172Trp (NM_001256023.2); c.397C>T, p.Arg133Trp (NM_001370649.1); short protein forms R133W, R172W, R331W.
Identifiers: ClinVar variation 1174689 (VCV001174689.28), dbSNP rs138254725, ClinGen allele CA3836751.